The following is an entry in ClinVar:

ClinVar aggregate classification (germline): Conflicting classifications of pathogenicity. Review status: criteria provided, conflicting classifications (1 of 4 stars). 2 submissions from 2 submitters: Likely pathogenic (1); Uncertain significance (1). Last evaluated 2024-05-29.

Conditions:
RYR1-related disorder. Also called: RYR1-related condition; RYR1-related disorders. Identifiers: MedGen CN239331.
Malignant hyperthermia, susceptibility to, 1 (MHS1). Also called: Anesthesia related hyperthermia; Malignant hyperpyrexia; Fulminating hyperpyrexia; Pharmacogenic myopathy; RYR1-Related Malignant Hyperthermia Susceptibility; Malignant hyperthermia suceptibility 1. Identifiers: Orphanet 423, MedGen C2930980, MONDO:0007783, OMIM 145600.

Submissions (2):

Labcorp Genetics (formerly Invitae), Labcorp
Classification: Likely pathogenic for RYR1-related disorder. Last evaluated: 2024-05-29. Review status: criteria provided, single submitter. Criteria: Invitae Variant Classification Sherloc (09022015). Collection method: clinical testing. Allele origin: germline.
Comment: This sequence change affects a donor splice site in intron 64 of the RYR1 gene. It is expected to disrupt RNA splicing. Variants that disrupt the donor or acceptor splice site typically lead to a loss of protein function (PMID: 16199547), and loss-of-function variants in RYR1 are known to be pathogenic (PMID: 23919265, 25960145, 28818389, 30611313). This variant is not present in population databases (gnomAD no frequency). This variant has not been reported in the literature in individuals affected with RYR1-related conditions. Algorithms developed to predict the effect of sequence changes on RNA splicing suggest that this variant may disrupt the consensus splice site. In summary, the currently available evidence indicates that the variant is pathogenic, but additional data are needed to prove that conclusively. Therefore, this variant has been classified as Likely Pathogenic.

All of Us Research Program, National Institutes of Health
Classification: Uncertain significance for Malignant hyperthermia, susceptibility to, 1. Last evaluated: 2023-10-06. Review status: criteria provided, single submitter. Criteria: ACMG Guidelines, 2015. Collection method: clinical testing. Allele origin: germline. Inheritance: Autosomal dominant inheritance. Observed: 1 variant allele, 1 heterozygote.
Comment: This variant causes a G to A nucleotide substitution at the +1 position of intron 64 of the RYR1 gene. Splice site prediction tools predict that this variant may have a significant impact on RNA splicing. To our knowledge, functional studies have not been reported for this variant. This variant has not been reported in individuals affected with RYR1-related disorders in the literature. This variant has not been identified in the general population by the Genome Aggregation Database (gnomAD). Loss of RYR1 function due to truncation variants is not an established disease mechanism for autosomal dominant malignant hyperthermia, although it is associated with other phenotype(s). Due to insufficient evidence, this variant is classified as a Variant of Uncertain Significance for autosomal dominant malignant hyperthermia.

This study involves interpretation of variants in research participants for the purpose of population health screening. Participant phenotype was not available at the time of variant classification. Additional details can be found in publication PMID: 35346344, PMCID: PMC8962531

Literature cited by the submitters: PubMed 16199547 (cited by Labcorp Genetics (formerly Invitae), Labcorp); PubMed 23919265 (cited by Labcorp Genetics (formerly Invitae), Labcorp); PubMed 25960145 (cited by Labcorp Genetics (formerly Invitae), Labcorp); PubMed 28818389 (cited by Labcorp Genetics (formerly Invitae), Labcorp); PubMed 30611313 (cited by Labcorp Genetics (formerly Invitae), Labcorp).

NM_000540.3(RYR1):c.9554+1G>A

Gene: RYR1 (ryanodine receptor 1; plus strand). Cytogenetic location: 19q13.2.
Variant type: single nucleotide variant.
Coding change: c.9554+1G>A on transcript NM_000540.3 (MANE Select); the canonical splice donor site of the intron after coding-DNA position 9554, G replaced by A.
Molecular consequence: splice donor variant.
Genome position (GRCh38, 1-based): chr19:38,515,108, G>A. VCF-style: chr19-38515108-G-A. GRCh37 (hg19) VCF-style: chr19-39005748-G-A.
Other names: c.9554+1G>A (NM_001042723.2).
Identifiers: ClinVar variation 3073853 (VCV003073853.3), dbSNP rs2514419722, ClinGen allele CA405689090.